The following is an entry in ClinVar:

ClinVar aggregate classification (germline): Uncertain significance (1 of 4 stars; one submission).

Conditions:
Marfan syndrome (MFS). Also called: MARFAN SYNDROME, TYPE I; Marfan syndrome type 1; Marfan's syndrome; Marfan syndrome, classic; FBN1-Related Marfan Syndrome. Identifiers: Orphanet 284963, Orphanet 558, MedGen C0024796, MONDO:0007947, OMIM 154700.
Familial thoracic aortic aneurysm and aortic dissection (TAAD). Also called: Thoracic aortic aneurysms and dissections. Identifiers: Orphanet 91387, MedGen C4707243, MONDO:0019625.

Submission:

Labcorp Genetics (formerly Invitae), Labcorp
Classification: Uncertain significance for Marfan syndrome; Familial thoracic aortic aneurysm and aortic dissection. Last evaluated: 2023-04-27. Review status: criteria provided, single submitter. Criteria: Invitae Variant Classification Sherloc (09022015). Collection method: clinical testing. Allele origin: germline.
Comment: In summary, the available evidence is currently insufficient to determine the role of this variant in disease. Therefore, it has been classified as a Variant of Uncertain Significance. Advanced modeling of protein sequence and biophysical properties (such as structural, functional, and spatial information, amino acid conservation, physicochemical variation, residue mobility, and thermodynamic stability) has been performed at Invitae for this missense variant, however the output from this modeling did not meet the statistical confidence thresholds required to predict the impact of this variant on FBN1 protein function. This variant has not been reported in the literature in individuals affected with FBN1-related conditions. This variant is not present in population databases (gnomAD no frequency). This sequence change replaces serine, which is neutral and polar, with proline, which is neutral and non-polar, at codon 2079 of the FBN1 protein (p.Ser2079Pro).

NM_000138.5(FBN1):c.6235T>C (p.Ser2079Pro)

Gene: FBN1 (fibrillin 1; minus strand). Cytogenetic location: 15q21.1.
Variant type: single nucleotide variant.
Coding change: c.6235T>C on transcript NM_000138.5 (MANE Select); coding-DNA position 6235, T replaced by C.
Protein change: p.Ser2079Pro; replaces serine 2079 with proline.
Molecular consequence: missense variant.
Genome position (GRCh38, 1-based): chr15:48,437,846, A>G on the plus strand (T>C on the coding strand, the complement: FBN1 is on the minus strand). VCF-style: chr15-48437846-A-G. GRCh37 (hg19) VCF-style: chr15-48730043-A-G.
Other names: c.6235T>C, p.Ser2079Pro (NM_001406716.1); short protein forms S2079P.
Identifiers: ClinVar variation 2947196 (VCV002947196.3), dbSNP rs2505438734, ClinGen allele CA392337063.